The following is an entry in ClinVar:

ClinVar aggregate classification (germline): Uncertain significance (1 of 4 stars; one submission).

Allele frequency attached by ClinVar (database versions not stated): gnomAD exomes below 0.00001.
gnomAD v4.1: 7 of 1,614,106 alleles (0.00043%); highest among the groups gnomAD compares: Admixed American, 0.0017%; no homozygotes.

Submission:

Labcorp Genetics (formerly Invitae), Labcorp
Classification: Uncertain significance. Last evaluated: 2025-07-03. Review status: criteria provided, single submitter. Criteria: Invitae Variant Classification Sherloc (09022015). Collection method: clinical testing. Allele origin: germline.
Comment: This sequence change replaces proline, which is neutral and non-polar, with leucine, which is neutral and non-polar, at codon 392 of the PRPF8 protein (p.Pro392Leu). This variant is present in population databases (no rsID available, gnomAD 0.003%). This variant has not been reported in the literature in individuals affected with PRPF8-related conditions. ClinVar contains an entry for this variant (Variation ID: 2109245). Invitae Evidence Modeling of protein sequence and biophysical properties (such as structural, functional, and spatial information, amino acid conservation, physicochemical variation, residue mobility, and thermodynamic stability) indicates that this missense variant is not expected to disrupt PRPF8 protein function with a negative predictive value of 80%. In summary, the available evidence is currently insufficient to determine the role of this variant in disease. Therefore, it has been classified as a Variant of Uncertain Significance.

NM_006445.4(PRPF8):c.1175C>T (p.Pro392Leu)

Gene: PRPF8 (pre-mRNA processing factor 8; minus strand). Cytogenetic location: 17p13.3.
Variant type: single nucleotide variant.
Coding change: c.1175C>T on transcript NM_006445.4 (MANE Select); coding-DNA position 1175, C replaced by T.
Protein change: p.Pro392Leu; replaces proline 392 with leucine.
Molecular consequence: missense variant.
Genome position (GRCh38, 1-based): chr17:1,679,723, G>A on the plus strand (C>T on the coding strand, the complement: PRPF8 is on the minus strand). VCF-style: chr17-1679723-G-A. GRCh37 (hg19) VCF-style: chr17-1583017-G-A.
Other names: short protein forms P392L.
Identifiers: ClinVar variation 2109245 (VCV002109245.4), dbSNP rs1403334059, ClinGen allele CA397564874.